The following is an entry in ClinVar:

ClinVar aggregate classification (germline): Pathogenic (1 of 4 stars; one submission).

gnomAD v4.1: 1 of 1,613,902 alleles (0.000062%); highest among the groups gnomAD compares: Non-Finnish European, 0.000085%; no homozygotes.

Submission:

Labcorp Genetics (formerly Invitae), Labcorp
Classification: Pathogenic. Last evaluated: 2025-04-23. Review status: criteria provided, single submitter. Criteria: Invitae Variant Classification Sherloc (09022015). Collection method: clinical testing. Allele origin: germline.
Comment: This sequence change creates a premature translational stop signal (p.Glu2211*) in the NBAS gene. It is expected to result in an absent or disrupted protein product. Loss-of-function variants in NBAS are known to be pathogenic (PMID: 26073778, 26541327, 27789416, 28031453). This variant is not present in population databases (gnomAD no frequency). This variant has not been reported in the literature in individuals affected with NBAS-related conditions. ClinVar contains an entry for this variant (Variation ID: 1459298). Algorithms developed to predict the effect of sequence changes on RNA splicing suggest that this variant may disrupt the consensus splice site. For these reasons, this variant has been classified as Pathogenic.

Literature cited by the submitters: PubMed 26073778; PubMed 26541327; PubMed 27789416; PubMed 28031453.

NM_015909.4(NBAS):c.6631G>T (p.Glu2211Ter)

Gene: NBAS (NBAS subunit of NRZ tethering complex; minus strand). Cytogenetic location: 2p24.3.
Variant type: single nucleotide variant.
Coding change: c.6631G>T on transcript NM_015909.4 (MANE Select); coding-DNA position 6631, G replaced by T.
Protein change: p.Glu2211Ter; replaces glutamic acid 2211 with a stop codon.
Molecular consequence: nonsense. On other transcripts: non-coding transcript variant (1).
Genome position (GRCh38, 1-based): chr2:15,186,822, C>A on the plus strand (G>T on the coding strand, the complement: NBAS is on the minus strand). VCF-style: chr2-15186822-C-A. GRCh37 (hg19) VCF-style: chr2-15326946-C-A.
Other names: short protein forms E2211*.
Identifiers: ClinVar variation 1459298 (VCV001459298.6), dbSNP rs747110409, ClinGen allele CA345919148.
Genomic context (GRCh38, chr2:15,186,822, plus strand): 5'-TGGTGTTATACAAAGAGCGACACATTTTCAAAACTTCATTCCCCAATCCTTCCTTGTTCT[C>A]CATCGTACATCTGGTTAGCATCACTGTAGCTAGTCTCACCCATGGATTATTGGTTATGCT-3'